The following is an entry in ClinVar:

ClinVar aggregate classification (germline): Uncertain significance (1 of 4 stars; one submission).

Allele frequency attached by ClinVar (database versions not stated): gnomAD exomes below 0.00001.
gnomAD v4.1: 1 of 1,614,088 alleles (0.000062%); highest among the groups gnomAD compares: Non-Finnish European, 0.000085%; no homozygotes.

Submission:

Labcorp Genetics (formerly Invitae), Labcorp
Classification: Uncertain significance. Last evaluated: 2023-12-27. Review status: criteria provided, single submitter. Criteria: Invitae Variant Classification Sherloc (09022015). Collection method: clinical testing. Allele origin: germline.
Comment: This sequence change replaces glutamic acid, which is acidic and polar, with aspartic acid, which is acidic and polar, at codon 11 of the ATP1A1 protein (p.Glu11Asp). This variant is not present in population databases (gnomAD no frequency). This variant has not been reported in the literature in individuals affected with ATP1A1-related conditions. ClinVar contains an entry for this variant (Variation ID: 1717186). Advanced modeling of protein sequence and biophysical properties (such as structural, functional, and spatial information, amino acid conservation, physicochemical variation, residue mobility, and thermodynamic stability) performed at Invitae indicates that this missense variant is not expected to disrupt ATP1A1 protein function with a negative predictive value of 95%. In summary, the available evidence is currently insufficient to determine the role of this variant in disease. Therefore, it has been classified as a Variant of Uncertain Significance.

NM_000701.8(ATP1A1):c.33G>T (p.Glu11Asp)

Gene: ATP1A1 (ATPase Na+/K+ transporting subunit alpha 1; plus strand). Cytogenetic location: 1p13.1.
Variant type: single nucleotide variant.
Coding change: c.33G>T on transcript NM_000701.8 (MANE Select); coding-DNA position 33, G replaced by T.
Protein change: p.Glu11Asp; replaces glutamic acid 11 with aspartic acid.
Molecular consequence: missense variant. On other transcripts: 5 prime UTR variant (1).
Genome position (GRCh38, 1-based): chr1:116,384,034, G>T. VCF-style: chr1-116384034-G-T. GRCh37 (hg19) VCF-style: chr1-116926656-G-T.
Other names: c.33G>T, p.Glu11Asp (NM_001160233.2); c.-61G>T (NM_001160234.2); short protein forms E11D.
Identifiers: ClinVar variation 1717186 (VCV001717186.5), dbSNP rs2525807307, ClinGen allele CA341840204.